The following is an entry in ClinVar:

NM_152641.4(ARID2):c.284+2T>C

Gene: ARID2 (AT-rich interaction domain 2; plus strand). Cytogenetic location: 12q12.
Variant type: single nucleotide variant.
Coding change: c.284+2T>C on transcript NM_152641.4 (MANE Select); the canonical splice donor site of the intron after coding-DNA position 284, T replaced by C.
Molecular consequence: splice donor variant.
Genome position (GRCh38, 1-based): chr12:45,731,316, T>C. VCF-style: chr12-45731316-T-C. GRCh37 (hg19) VCF-style: chr12-46125099-T-C.
Other names: c.284+2T>C (NM_001347839.2).
Identifiers: ClinVar variation 5019750 (VCV005019750.1).

ClinVar aggregate classification (germline): Likely pathogenic (1 of 4 stars; one submission).

Conditions:
Coffin-Siris syndrome 6. Identifiers: MedGen C4540499, MONDO:0033492, OMIM 617808.

Submission:

Juno Genomics, Hangzhou Juno Genomics, Inc
Classification: Likely pathogenic for Coffin-Siris syndrome 6. Review status: criteria provided, single submitter. Criteria: ACMG Guidelines, 2015. Collection method: clinical testing. Allele origin: germline. Affected: yes.
Comment: Absent from controls (or at extremely low frequency if recessive) in Genome Aggregation Database.;De novo (both maternity and paternity confirmed) in a patient with the disease and no family history.;Null variant in a gene where loss of function (LOF) is a known mechanism of disease.